The following is an entry in ClinVar:

ClinVar aggregate classification (germline): Benign/Likely benign. Review status: criteria provided, multiple submitters, no conflicts (2 of 4 stars). 16 submissions from 16 submitters: Benign (2); Likely benign (10). 4 of the submissions do not count toward it. Last evaluated 2026-04-01.

Conditions:
Cardiovascular phenotype. Identifiers: MedGen CN230736.
ANK2-related disorder. Also called: ANK2-related condition.
Long QT syndrome (LQTS). Identifiers: MedGen C0023976, MeSH D008133, MONDO:0002442. Disease mechanism: loss of function. Inheritance: Various modes of inheritance.
Cardiac arrhythmia, ankyrin-B-related. Also called: ANKYRIN-B SYNDROME. Identifiers: Orphanet 101016, Orphanet 768, MedGen C1970119, MONDO:0010958, OMIM 600919.

Allele frequency attached by ClinVar (database versions not stated): 1000 Genomes Project 0.00040; 1000 Genomes Project 30x 0.00047; ExAC 0.00064; gnomAD exomes 0.00073 and 0.00133; gnomAD 0.00084 and 0.00090; ESP Exome Variant Server 0.00085; TOPMed 0.00097.
gnomAD v4.1: 2,023 of 1,614,020 alleles (0.13%); highest among the groups gnomAD compares: Non-Finnish European, 0.16%; 2 homozygotes.

Submissions (16):

CeGaT Center for Human Genetics Tuebingen
Classification: Likely benign. Last evaluated: 2026-04-01. Review status: criteria provided, single submitter. Criteria: CeGaT Center For Human Genetics Tuebingen Variant Classification Criteria Version 2. Collection method: clinical testing. Allele origin: germline. Affected: yes. Observed: 6 variant alleles.
Comment: ANK2: BP4, BS1

Labcorp Genetics (formerly Invitae), Labcorp
Classification: Likely benign for Long QT syndrome. Last evaluated: 2026-01-15. Review status: criteria provided, single submitter. Criteria: Invitae Variant Classification Sherloc (09022015). Collection method: clinical testing. Allele origin: germline.

Blueprint Genetics
Classification: Likely benign. Last evaluated: 2024-10-14. Review status: criteria provided, single submitter. Criteria: ACMG Guidelines, 2015. Collection method: clinical testing. Allele origin: germline.

ARUP Laboratories, Molecular Genetics and Genomics, ARUP Laboratories
Classification: Likely benign. Last evaluated: 2022-04-15. Review status: criteria provided, single submitter. Criteria: ARUP Molecular Germline Variant Investigation Process 2021. Collection method: clinical testing. Allele origin: germline.

Genome-Nilou Lab
Classification: Benign for Cardiac arrhythmia, ankyrin-B-related. Last evaluated: 2021-12-05. Review status: criteria provided, single submitter. Criteria: ACMG Guidelines, 2015. Collection method: clinical testing. Allele origin: germline. Affected: no.

GeneDx
Classification: Likely benign. Last evaluated: 2020-10-13. Review status: criteria provided, single submitter. Criteria: GeneDx Variant Classification Process June 2021. Collection method: clinical testing. Allele origin: germline. Affected: yes.

Molecular Diagnostic Laboratory for Inherited Cardiovascular Disease, Montreal Heart Institute
Classification: Likely benign. Last evaluated: 2020-01-21. Review status: criteria provided, single submitter. Criteria: ACMG Guidelines, 2015. Collection method: clinical testing. Allele origin: germline. Affected: yes.

Women's Health and Genetics/Laboratory Corporation of America, LabCorp
Classification: Benign. Last evaluated: 2019-08-13. Review status: criteria provided, single submitter. Criteria: LabCorp Variant Classification Summary - May 2015. Collection method: clinical testing. Allele origin: germline.
Comment: Variant summary: ANK2 c.4745G>A (p.Arg1582Gln) results in a conservative amino acid change in the encoded protein sequence. Five of five in-silico tools predict a benign effect of the variant on protein function. The variant allele was found at a frequency of 0.00076 in 281862 control chromosomes, predominantly at a frequency of 0.0015 within the Non-Finnish European subpopulation in the gnomAD database. The observed variant frequency within Non-Finnish European control individuals in the gnomAD database is approximately 150 fold of the estimated maximal expected allele frequency for a pathogenic variant in ANK2 causing Arrhythmia phenotype (1e-05), strongly suggesting that the variant is a benign polymorphism found primarily in populations of Non-Finnish European origin. c.4745G>A has been reported in the literature to be found in 3 heterozygotes, and their average QTc value was reported to be in the normal range. (Ghouse_2015). This report therefore does not support a pathogenic role for the variant. To our knowledge, no experimental evidence demonstrating an impact on protein function has been reported. Five clinical diagnostic laboratories have submitted clinical-significance assessments for this variant to ClinVar after 2014 without evidence for independent evaluation. Four laboratories classified the variant as likely benign, while one classified as VUS. Based on the evidence outlined above, the variant was classified as benign.

Ambry Genetics
Classification: Likely benign for Cardiovascular phenotype. Last evaluated: 2018-08-27. Review status: criteria provided, single submitter. Criteria: Ambry Variant Classification Scheme 2023. Collection method: clinical testing. Allele origin: germline.

Illumina Laboratory Services, Illumina
Classification: Likely benign for Cardiac arrhythmia, ankyrin-B-related. Last evaluated: 2018-01-12. Review status: criteria provided, single submitter. Criteria: ICSL Variant Classification Criteria 13 December 2019. Collection method: clinical testing. Allele origin: germline.
Comment: This variant was observed in the ICSL laboratory as part of a predisposition screen in an ostensibly healthy population. It had not been previously curated by ICSL or reported in the Human Gene Mutation Database (HGMD: prior to June 1st, 2018), and was therefore a candidate for classification through an automated scoring system. Utilizing variant allele frequency, disease prevalence and penetrance estimates, and inheritance mode, an automated score was calculated to assess if this variant is too frequent to cause the disease. Based on the score and internal cut-off values, a variant classified as likely benign is not then subjected to further curation. The score for this variant resulted in a classification of likely benign for this disease.

Genome Diagnostics Laboratory, University Medical Center Utrecht
Classification: Likely benign for Cardiac arrhythmia, ankyrin-B-related. Last evaluated: 2016-05-10. Review status: criteria provided, single submitter. Criteria: ACGS Guidelines, 2013. Collection method: clinical testing. Allele origin: germline. Affected: yes. Study: VKGL Data-share Consensus.

Biesecker Lab/Clinical Genomics Section, National Institutes of Health
Classification: Likely benign. Last evaluated: 2013-06-24. Review status: criteria provided, single submitter. Criteria: Ng et al. (Circ Cardiovasc Genet. 2013). Collection method: research. Allele origin: unknown. Observed: 3 variant alleles. Study: ClinSeq.
Comment: The study set was not selected for affection status in relation to any cancer. Pathogenicity categories were based on literature curation. See Pubmed ID:23861362 for details.

Medical sequencing

PreventionGenetics, part of Exact Sciences
Classification: Likely benign for ANK2-related condition. Last evaluated: 2022-02-12. Review status: no assertion criteria provided. Collection method: clinical testing. Allele origin: germline. Not counted in ClinVar's aggregate classification.
Comment: This variant is classified as likely benign based on ACMG/AMP sequence variant interpretation guidelines (Richards et al. 2015 PMID: 25741868, with internal and published modifications).

Clinical Genetics, Academic Medical Center
Classification: Benign. Review status: no assertion criteria provided. Collection method: clinical testing. Allele origin: germline. Affected: yes. Study: VKGL Data-share Consensus. Not counted in ClinVar's aggregate classification.

Diagnostic Laboratory, Department of Genetics, University Medical Center Groningen
Classification: Likely benign for Cardiac arrhythmia, ankyrin-B-related. Review status: no assertion criteria provided. Collection method: clinical testing. Allele origin: germline. Affected: yes. Study: VKGL Data-share Consensus. Not counted in ClinVar's aggregate classification.

Joint Genome Diagnostic Labs from Nijmegen and Maastricht, Radboudumc and MUMC+
Classification: Likely benign. Review status: no assertion criteria provided. Collection method: clinical testing. Allele origin: germline. Affected: yes. Study: VKGL Data-share Consensus. Not counted in ClinVar's aggregate classification.

Literature cited by the submitters: PubMed 23396983 (cited by Women's Health and Genetics/Laboratory Corporation of America, LabCorp and Ambry Genetics); PubMed 26159999 (cited by Women's Health and Genetics/Laboratory Corporation of America, LabCorp).

NM_001148.6(ANK2):c.4745G>A (p.Arg1582Gln)

Gene: ANK2 (ankyrin 2; plus strand). Cytogenetic location: 4q26.
Variant type: single nucleotide variant.
Coding change: c.4745G>A on transcript NM_001148.6 (MANE Select); coding-DNA position 4745, G replaced by A.
Protein change: p.Arg1582Gln; replaces arginine 1582 with glutamine.
Molecular consequence: missense variant. On other transcripts: intron variant (68).
Genome position (GRCh38, 1-based): chr4:113,353,363, G>A. VCF-style: chr4-113353363-G-A. GRCh37 (hg19) VCF-style: chr4-114274519-G-A.
Other names: c.4511G>A, p.Arg1504Gln (NM_001386142.1); c.1145G>A, p.Arg382Gln (NM_001386166.1); c.4886G>A, p.Arg1629Gln (NM_001386174.1); c.4862G>A, p.Arg1621Gln (NM_001386175.1); c.4411+3114G>A (NM_001386186.2, NM_001386148.2); c.4213+3114G>A (NM_001354269.3); c.4291+3114G>A (NM_001386187.2); c.4252+3114G>A (NM_001386147.1); and 35 more; short protein forms R1582Q, R1504Q, R1621Q, R1629Q, R382Q.
Identifiers: ClinVar variation 191535 (VCV000191535.56), dbSNP rs138842207, ClinGen allele CA236929.